The following is an entry in ClinVar:

ClinVar aggregate classification (germline): Uncertain significance (1 of 4 stars; one submission).

gnomAD v4.1: 1 of 1,614,058 alleles (0.000062%); highest among the groups gnomAD compares: African/African-American, 0.0013%; no homozygotes.

Submission:

Labcorp Genetics (formerly Invitae), Labcorp
Classification: Uncertain significance. Last evaluated: 2024-07-22. Review status: criteria provided, single submitter. Criteria: Invitae Variant Classification Sherloc (09022015). Collection method: clinical testing. Allele origin: germline.
Comment: This sequence change replaces asparagine, which is neutral and polar, with isoleucine, which is neutral and non-polar, at codon 1054 of the KANK1 protein (p.Asn1054Ile). This variant is not present in population databases (gnomAD no frequency). This variant has not been reported in the literature in individuals affected with KANK1-related conditions. An algorithm developed to predict the effect of missense changes on protein structure and function (PolyPhen-2) suggests that this variant is likely to be tolerated. In summary, the available evidence is currently insufficient to determine the role of this variant in disease. Therefore, it has been classified as a Variant of Uncertain Significance.

NM_015158.5(KANK1):c.3161A>T (p.Asn1054Ile)

Gene: KANK1 (KN motif and ankyrin repeat domains 1; plus strand). Cytogenetic location: 9p24.3.
Variant type: single nucleotide variant.
Coding change: c.3161A>T on transcript NM_015158.5 (MANE Select); coding-DNA position 3161, A replaced by T.
Protein change: p.Asn1054Ile; replaces asparagine 1054 with isoleucine.
Molecular consequence: missense variant. On other transcripts: intron variant (5).
Genome position (GRCh38, 1-based): chr9:732,533, A>T. VCF-style: chr9-732533-A-T. GRCh37 (hg19) VCF-style: chr9-732533-A-T.
Other names: c.3161A>T, p.Asn1054Ile (NM_001354334.2, NM_001256876.3, NM_001256877.3); c.2687A>T, p.Asn896Ile (NM_001354335.2, NM_001354337.2, NM_001354341.2 and 2 more transcripts); c.2633A>T, p.Asn878Ile (NM_001354338.2, NM_001354340.2, NM_001354344.2); c.3005+1267A>T (NM_001354331.2); c.2477+1267A>T (NM_001354336.2); c.2531+1267A>T (NM_001354339.2, NM_001354343.2, NM_001354342.2); c.3107A>T, p.Asn1036Ile (NM_001354332.2); short protein forms N878I, N896I, N1036I, N1054I.
Identifiers: ClinVar variation 3645810 (VCV003645810.2).